The following is an entry in ClinVar:

NM_001379110.1(SLC9A6):c.-56-22C>T

Gene: SLC9A6 (solute carrier family 9 member A6; plus strand). Cytogenetic location: Xq26.3.
Variant type: single nucleotide variant.
Coding change: c.-56-22C>T on transcript NM_001379110.1 (MANE Select); 22 bases into the intron before 56 bases upstream of the start codon, C replaced by T.
Molecular consequence: intron variant. On other transcripts: missense variant (2).
Genome position (GRCh38, 1-based): chrX:135,985,581, C>T. VCF-style: chrX-135985581-C-T. GRCh37 (hg19) VCF-style: chrX-135067740-C-T.
Other names: c.79C>T, p.Pro27Ser (NM_001042537.2, NM_006359.3); c.-35-43C>T (NM_001400909.1); c.-56-22C>T (NM_001400910.1, NM_001400911.1, NM_001177651.2 and 3 more transcripts); short protein forms P27S.
Identifiers: ClinVar variation 2821775 (VCV002821775.3), dbSNP rs782655120, ClinGen allele CA10524586.

ClinVar aggregate classification (germline): Uncertain significance (1 of 4 stars; one submission).

Conditions:
Christianson syndrome (MRXSCH). Also called: X-linked mental retardation, syndromic, Christianson type; SLC9A6-Related Syndromic Mental Retardation; INTELLECTUAL DEVELOPMENTAL DISORDER, X-LINKED, SYNDROMIC, CHRISTIANSON TYPE. Identifiers: Orphanet 85278, MedGen C2678194, MONDO:0010278, OMIM 300243.

Allele frequency attached by ClinVar (database versions not stated): gnomAD exomes below 0.00001; TOPMed 0.00001; gnomAD 0.00002; ExAC 0.00003.
gnomAD v4.1: 4 of 1,204,021 alleles (0.00033%); highest among the groups gnomAD compares: Non-Finnish European, 0.00034%; no homozygotes.

Submission:

Labcorp Genetics (formerly Invitae), Labcorp
Classification: Uncertain significance for Christianson syndrome. Last evaluated: 2022-12-17. Review status: criteria provided, single submitter. Criteria: Invitae Variant Classification Sherloc (09022015). Collection method: clinical testing. Allele origin: germline.
Comment: This sequence change replaces proline, which is neutral and non-polar, with serine, which is neutral and polar, at codon 27 of the SLC9A6 protein (p.Pro27Ser). This variant is present in population databases (rs782655120, gnomAD 0.003%). This variant has not been reported in the literature in individuals affected with SLC9A6-related conditions. Algorithms developed to predict the effect of missense changes on protein structure and function output the following: SIFT: "Tolerated"; PolyPhen-2: "Benign"; Align-GVGD: "Class C0". The serine amino acid residue is found in multiple mammalian species, which suggests that this missense change does not adversely affect protein function. In summary, the available evidence is currently insufficient to determine the role of this variant in disease. Therefore, it has been classified as a Variant of Uncertain Significance.